The following is an entry in ClinVar:

NM_001035.3(RYR2):c.7236G>A (p.Gly2412=)

Gene: RYR2 (ryanodine receptor 2; plus strand). Cytogenetic location: 1q43.
Variant type: single nucleotide variant.
Coding change: c.7236G>A on transcript NM_001035.3 (MANE Select); coding-DNA position 7236, G replaced by A.
Protein change: p.Gly2412=; no amino-acid change (glycine 2412 retained).
Molecular consequence: synonymous variant.
Genome position (GRCh38, 1-based): chr1:237,643,341, G>A. VCF-style: chr1-237643341-G-A. GRCh37 (hg19) VCF-style: chr1-237806641-G-A.
Other names: c.7236G>A, p.Gly2412= (LRG_402t1).
Identifiers: ClinVar variation 532393 (VCV000532393.14), dbSNP rs1553265780, ClinGen allele CA423819404.
Genomic context (GRCh38, chr1:237,643,341, plus strand): 5'-ATTGATGTCACAAAGTTGTTCTAATGTTTTTTTTTCCCCTGTATAGTTGATTCATGCCGG[G>A]AAGGGAGAAGCCATCAGAATTAGGTCCATTTTGAGATCCCTCATTCCCCTGGGAGATTTG-3'
Protein context (NP_001026.2, residues 2402-2422): CAPEMHLIHA[Gly2412=]KGEAIRIRSI

ClinVar aggregate classification (germline): Likely benign. Review status: criteria provided, multiple submitters, no conflicts (2 of 4 stars). 4 submissions from 4 submitters: Likely benign (4). Last evaluated 2025-09-19.

Conditions:
Catecholaminergic polymorphic ventricular tachycardia (CVPT). Also called: Catecholamine-induced polymorphic ventricular tachycardia. Identifiers: Orphanet 3286, MedGen C5574922, MONDO:0017990.
Cardiomyopathy (CMYO). Also called: Cardiomyopathies. Identifiers: Orphanet 167848, MedGen C0878544, MONDO:0004994, HP:0001638. Inheritance: Various modes of inheritance.
Catecholaminergic polymorphic ventricular tachycardia 1. Also called: VENTRICULAR TACHYCARDIA, CATECHOLAMINERGIC POLYMORPHIC, 1, WITH OR WITHOUT ATRIAL DYSFUNCTION AND/OR DILATED CARDIOMYOPATHY; RYR2-Related Catecholaminergic Polymorphic Ventricular Tachycardia; VENTRICULAR TACHYCARDIA, STRESS-INDUCED POLYMORPHIC 1. Identifiers: Orphanet 3286, MedGen C1631597, MONDO:0011484, OMIM 604772.
Cardiovascular phenotype. Identifiers: MedGen CN230736.

Allele frequency attached by ClinVar (database versions not stated): TOPMed below 0.00001; gnomAD 0.00001.
gnomAD v4.1: 5 of 1,613,514 alleles (0.00031%); highest among the groups gnomAD compares: Non-Finnish European, 0.00042%; no homozygotes.

Submissions (4):

Labcorp Genetics (formerly Invitae), Labcorp
Classification: Likely benign for Catecholaminergic polymorphic ventricular tachycardia 1. Last evaluated: 2025-09-19. Review status: criteria provided, single submitter. Criteria: Invitae Variant Classification Sherloc (09022015). Collection method: clinical testing. Allele origin: germline.

Ambry Genetics
Classification: Likely benign for Cardiovascular phenotype. Last evaluated: 2023-03-10. Review status: criteria provided, single submitter. Criteria: Ambry Variant Classification Scheme 2023. Collection method: clinical testing. Allele origin: germline.

All of Us Research Program, National Institutes of Health
Classification: Likely benign for Catecholaminergic polymorphic ventricular tachycardia. Last evaluated: 2023-03-09. Review status: criteria provided, single submitter. Criteria: ACMG Guidelines, 2015. Collection method: clinical testing. Allele origin: germline. Inheritance: Autosomal dominant inheritance. Observed: 1 variant allele, 1 heterozygote.
Comment: This study involves interpretation of variants in research participants for the purpose of population health screening. Participant phenotype was not available at the time of variant classification. Additional details can be found in publication PMID: 35346344, PMCID: PMC8962531

Color Diagnostics, LLC DBA Color Health
Classification: Likely benign for Cardiomyopathy. Last evaluated: 2022-11-06. Review status: criteria provided, single submitter. Criteria: ACMG Guidelines, 2015. Collection method: clinical testing. Allele origin: germline.